The following is an entry in ClinVar:

ClinVar aggregate classification (germline): Uncertain significance. Review status: criteria provided, multiple submitters, no conflicts (2 of 4 stars). 2 submissions from 2 submitters: Uncertain significance (2). Last evaluated 2025-04-30.

Conditions:
Hereditary pheochromocytoma and paraganglioma. Also called: Hereditary pheochromocytoma-paraganglioma; Hereditary paragangliomas and pheochromocytomas; Hereditary Paraganglioma-Pheochromocytoma Syndromes. Identifiers: Orphanet 29072, MedGen C4274332, MONDO:0017366.
Hereditary cancer-predisposing syndrome. Also called: Hereditary Cancer Syndrome; Tumor predisposition; Neoplastic Syndromes, Hereditary; Hereditary neoplastic syndrome. Identifiers: Orphanet 140162, MedGen C0027672, MeSH D009386, MONDO:0015356.

Allele frequency attached by ClinVar (database versions not stated): TOPMed below 0.00001; gnomAD 0.00001; gnomAD exomes 0.00001; ExAC 0.00002.
gnomAD v4.1: 7 of 1,614,072 alleles (0.00043%); highest among the groups gnomAD compares: African/African-American, 0.0027%; no homozygotes.

Submissions (2):

Labcorp Genetics (formerly Invitae), Labcorp
Classification: Uncertain significance for Hereditary pheochromocytoma and paraganglioma. Last evaluated: 2025-04-30. Review status: criteria provided, single submitter. Criteria: Invitae Variant Classification Sherloc (09022015). Collection method: clinical testing. Allele origin: germline.
Comment: This sequence change replaces arginine, which is basic and polar, with histidine, which is basic and polar, at codon 154 of the SDHAF2 protein (p.Arg154His). This variant is present in population databases (rs768954974, gnomAD 0.004%). This variant has not been reported in the literature in individuals affected with SDHAF2-related conditions. ClinVar contains an entry for this variant (Variation ID: 825050). An algorithm developed to predict the effect of missense changes on protein structure and function (PolyPhen-2) suggests that this variant is likely to be disruptive. In summary, the available evidence is currently insufficient to determine the role of this variant in disease. Therefore, it has been classified as a Variant of Uncertain Significance.

Ambry Genetics
Classification: Uncertain significance for Hereditary cancer-predisposing syndrome. Last evaluated: 2024-09-18. Review status: criteria provided, single submitter. Criteria: Ambry Variant Classification Scheme 2023. Collection method: clinical testing. Allele origin: germline.
Comment: The p.R154H variant (also known as c.461G>A), located in coding exon 4 of the SDHAF2 gene, results from a G to A substitution at nucleotide position 461. The arginine at codon 154 is replaced by histidine, an amino acid with highly similar properties. This amino acid position is not well conserved in available vertebrate species. In addition, the in silico prediction for this alteration is inconclusive. Based on the available evidence, the clinical significance of this variant remains unclear.

NM_017841.4(SDHAF2):c.461G>A (p.Arg154His)

Gene: SDHAF2 (succinate dehydrogenase complex assembly factor 2; plus strand). Cytogenetic location: 11q12.2.
Variant type: single nucleotide variant.
Coding change: c.461G>A on transcript NM_017841.4 (MANE Select); coding-DNA position 461, G replaced by A.
Protein change: p.Arg154His; replaces arginine 154 with histidine.
Molecular consequence: missense variant.
Genome position (GRCh38, 1-based): chr11:61,446,031, G>A. VCF-style: chr11-61446031-G-A. GRCh37 (hg19) VCF-style: chr11-61213503-G-A.
Other names: short protein forms R154H.
Identifiers: ClinVar variation 825050 (VCV000825050.15), dbSNP rs768954974, ClinGen allele CA059397.